The following is an entry in ClinVar:

ClinVar aggregate classification (germline): Uncertain significance (1 of 4 stars; one submission).

Conditions:
SEMA3D-related disorder. Also called: SEMA3D-related condition.

gnomAD v4.1: 2 of 1,608,572 alleles (0.00012%); highest among the groups gnomAD compares: South Asian, 0.0011%; no homozygotes.

Submission:

PreventionGenetics, part of Exact Sciences
Classification: Uncertain significance for SEMA3D-related condition. Last evaluated: 2026-08-11. Review status: criteria provided, single submitter. Criteria: ACMG Guidelines, 2015. Collection method: clinical testing. Allele origin: germline.
Comment: The SEMA3D c.62C>T variant is predicted to result in the amino acid substitution p.Ala21Val. To our knowledge, this variant has not been reported in the literature. This variant is reported in 0.0034% of alleles in individuals of South Asian descent in gnomAD. At this time, the clinical significance of this variant is uncertain due to the absence of conclusive functional and genetic evidence.

NM_001384900.1(SEMA3D):c.62C>T (p.Ala21Val)

Gene: SEMA3D (semaphorin 3D; minus strand). Cytogenetic location: 7q21.11.
Variant type: single nucleotide variant.
Coding change: c.62C>T on transcript NM_001384900.1 (MANE Select); coding-DNA position 62, C replaced by T.
Protein change: p.Ala21Val; replaces alanine 21 with valine.
Molecular consequence: missense variant.
Genome position (GRCh38, 1-based): chr7:85,121,830, G>A on the plus strand (C>T on the coding strand, the complement: SEMA3D is on the minus strand). VCF-style: chr7-85121830-G-A. GRCh37 (hg19) VCF-style: chr7-84751146-G-A.
Other names: c.62C>T, p.Ala21Val (NM_001384901.1, NM_001384902.1, NM_001384903.1 and 1 more transcripts); short protein forms A21V.
Identifiers: ClinVar variation 4991337 (VCV004991337.1).
Genomic context (GRCh38, chr7:85,121,830, plus strand): 5'-TTTTGCTTCAAAGTGCCAGTGACTGGAAGAAACAACATGGTCATGCTTAGCATCATCAAA[G>A]CAGGAAAAAGGTGAAAATCTTGGCTTCTGGCTTTAAGTCTTTCATCTTTATTAGCATTCA-3'
Protein context (NP_001371829.1, residues 11-31): ARSQDFHLFP[Ala21Val]LMMLSMTMLF